The following is an entry in ClinVar:

NM_203447.4(DOCK8):c.5781C>T (p.Tyr1927=)

Gene: DOCK8 (dedicator of cytokinesis 8; plus strand). Cytogenetic location: 9p24.3.
Variant type: single nucleotide variant.
Coding change: c.5781C>T on transcript NM_203447.4 (MANE Select); coding-DNA position 5781, C replaced by T.
Protein change: p.Tyr1927=; no amino-acid change (tyrosine 1927 retained).
Molecular consequence: synonymous variant.
Genome position (GRCh38, 1-based): chr9:446,570, C>T. VCF-style: chr9-446570-C-T. GRCh37 (hg19) VCF-style: chr9-446570-C-T.
Other names: p.Tyr1927=; c.5481C>T, p.Tyr1827= (NM_001190458.2); c.5577C>T, p.Tyr1859= (NM_001193536.2).
Identifiers: ClinVar variation 392936 (VCV000392936.18), dbSNP rs138225192, ClinGen allele CA4959535.

ClinVar aggregate classification (germline): Benign/Likely benign. Review status: criteria provided, multiple submitters, no conflicts (2 of 4 stars). 6 submissions from 6 submitters: Benign (1); Likely benign (4). 1 of the submissions does not count toward it. Last evaluated 2026-06-01.

Conditions:
DOCK8-related disorder. Also called: DOCK8-related condition.
Combined immunodeficiency due to DOCK8 deficiency (HIES2). Also called: Hyper-IgE recurrent infection syndrome, autosomal recessive; HYPER-IgE RECURRENT INFECTION SYNDROME 2, AUTOSOMAL RECESSIVE; HIES autosomal recessive; HYPER-IgE SYNDROME 2, AUTOSOMAL RECESSIVE, WITH RECURRENT INFECTIONS; DOCK8 Deficiency. Identifiers: Orphanet 217390, MedGen C4722305, MONDO:0009478, OMIM 243700.

Allele frequency attached by ClinVar (database versions not stated): gnomAD exomes 0.00012 and 0.00026; ExAC 0.00038; TOPMed 0.00114; gnomAD 0.00120 and 0.00122; ESP Exome Variant Server 0.00169; 1000 Genomes Project 0.00220; 1000 Genomes Project 30x 0.00281.
gnomAD v4.1: 357 of 1,614,206 alleles (0.022%); highest among the groups gnomAD compares: African/African-American, 0.42%; 2 homozygotes.

Submissions (6):

CeGaT Center for Human Genetics Tuebingen
Classification: Likely benign. Last evaluated: 2026-06-01. Review status: criteria provided, single submitter. Criteria: CeGaT Center For Human Genetics Tuebingen Variant Classification Criteria Version 2. Collection method: clinical testing. Allele origin: germline. Affected: yes. Observed: 1 variant allele.
Comment: DOCK8: BP4

Labcorp Genetics (formerly Invitae), Labcorp
Classification: Benign for Combined immunodeficiency due to DOCK8 deficiency. Last evaluated: 2026-02-01. Review status: criteria provided, single submitter. Criteria: Invitae Variant Classification Sherloc (09022015). Collection method: clinical testing. Allele origin: germline.

Mayo Clinic Laboratories, Mayo Clinic
Classification: Likely benign. Last evaluated: 2025-01-20. Review status: criteria provided, single submitter. Criteria: ACMG Guidelines, 2015. Collection method: clinical testing. Allele origin: germline. Observed: 1 variant allele.
Comment: BS1, BP4, BP7

Blueprint Genetics
Classification: Likely benign. Last evaluated: 2024-09-16. Review status: criteria provided, single submitter. Criteria: ACMG Guidelines, 2015. Collection method: clinical testing. Allele origin: germline.

GeneDx
Classification: Likely benign. Last evaluated: 2018-01-03. Review status: criteria provided, single submitter. Criteria: GeneDx Variant Classification (06012015). Collection method: clinical testing. Allele origin: germline. Affected: yes.
Comment: This variant is considered likely benign or benign based on one or more of the following criteria: it is a conservative change, it occurs at a poorly conserved position in the protein, it is predicted to be benign by multiple in silico algorithms, and/or has population frequency not consistent with disease.

PreventionGenetics, part of Exact Sciences
Classification: Likely benign for DOCK8-related condition. Last evaluated: 2019-04-10. Review status: no assertion criteria provided. Collection method: clinical testing. Allele origin: germline. Not counted in ClinVar's aggregate classification.
Comment: This variant is classified as likely benign based on ACMG/AMP sequence variant interpretation guidelines (Richards et al. 2015 PMID: 25741868, with internal and published modifications).